The following is an entry in ClinVar:

ClinVar aggregate classification (germline): Uncertain significance (1 of 4 stars; one submission).

Conditions:
Leigh syndrome (NULS). Also called: Leigh's necrotizing encephalopathy; Leigh's disease; Leigh's syndrome; LEIGH SYNDROME, NUCLEAR; Leigh Syndrome (mtDNA deletion); Leigh Disease. Identifiers: Orphanet 506, MedGen C2931891, MONDO:0009723, OMIM 256000.

Submission:

Wong Mito Lab, Molecular and Human Genetics, Baylor College of Medicine
Classification: Uncertain significance for Leigh syndrome. Last evaluated: 2019-10-17. Review status: criteria provided, single submitter. Criteria: Modified ACMG Guidelines (Unpublished). Collection method: clinical testing. Allele origin: germline.
Comment: The NC_012920.1:m.15048G>C (YP_003024038.1:p.Gly101Ala) variant in MTCYB gene is interpretated to be a Uncertain Significance variant based on the modified ACMG guidelines (unpublished). This variant meets the following evidence codes: BS4

NC_012920.1(MT-CYB):m.15048G>C

Gene: MT-CYB (mitochondrially encoded cytochrome b; plus strand).
Variant type: single nucleotide variant.
Genome position: chrM-15048-G-C.
Identifiers: ClinVar variation 693816 (VCV000693816.1), dbSNP rs1603225045, ClinGen allele CA913172804.